The following is an entry in ClinVar:

ClinVar aggregate classification (germline): Uncertain significance (1 of 4 stars; one submission).

Conditions:
Autosomal recessive limb-girdle muscular dystrophy type R18 (LGMDR18). Also called: Limb-girdle muscular dystrophy, type 2S; MUSCULAR DYSTROPHY, LIMB-GIRDLE, AUTOSOMAL RECESSIVE 18; Autosomal recessive limb-girdle muscular dystrophy type 2S. Identifiers: Orphanet 369840, MedGen C4517996, MONDO:0014144, OMIM 615356.

Allele frequency attached by ClinVar (database versions not stated): gnomAD exomes below 0.00001.
gnomAD v4.1: 1 of 1,613,706 alleles (0.000062%); highest among the groups gnomAD compares: Non-Finnish European, 0.000085%; no homozygotes.

Submission:

Labcorp Genetics (formerly Invitae), Labcorp
Classification: Uncertain significance for Autosomal recessive limb-girdle muscular dystrophy type R18. Last evaluated: 2021-01-21. Review status: criteria provided, single submitter. Criteria: Invitae Variant Classification Sherloc (09022015). Collection method: clinical testing. Allele origin: germline.
Comment: This variant has not been reported in the literature in individuals with TRAPPC11-related conditions. This sequence change replaces threonine with alanine at codon 498 of the TRAPPC11 protein (p.Thr498Ala). The threonine residue is highly conserved and there is a small physicochemical difference between threonine and alanine. This variant is not present in population databases (ExAC no frequency). Algorithms developed to predict the effect of missense changes on protein structure and function are either unavailable or do not agree on the potential impact of this missense change (SIFT: "Tolerated"; PolyPhen-2: "Possibly Damaging"; Align-GVGD: "Class C0"). In summary, the available evidence is currently insufficient to determine the role of this variant in disease. Therefore, it has been classified as a Variant of Uncertain Significance.

NM_021942.6(TRAPPC11):c.1492A>G (p.Thr498Ala)

Gene: TRAPPC11 (trafficking protein particle complex subunit 11; plus strand). Cytogenetic location: 4q35.1.
Variant type: single nucleotide variant.
Coding change: c.1492A>G on transcript NM_021942.6 (MANE Select); coding-DNA position 1492, A replaced by G.
Protein change: p.Thr498Ala; replaces threonine 498 with alanine.
Molecular consequence: missense variant.
Genome position (GRCh38, 1-based): chr4:183,684,766, A>G. VCF-style: chr4-183684766-A-G. GRCh37 (hg19) VCF-style: chr4-184605919-A-G.
Other names: c.1492A>G, p.Thr498Ala (NM_199053.3); short protein forms T498A.
Identifiers: ClinVar variation 1368320 (VCV001368320.8), dbSNP rs2111365312, ClinGen allele CA358867421.